The following is an entry in ClinVar:

NM_017617.5(NOTCH1):c.2386G>T (p.Ala796Ser)

Gene: NOTCH1 (notch receptor 1; minus strand). Cytogenetic location: 9q34.3.
Variant type: single nucleotide variant.
Coding change: c.2386G>T on transcript NM_017617.5 (MANE Select); coding-DNA position 2386, G replaced by T.
Protein change: p.Ala796Ser; replaces alanine 796 with serine.
Molecular consequence: missense variant.
Genome position (GRCh38, 1-based): chr9:136,513,102, C>A on the plus strand (G>T on the coding strand, the complement: NOTCH1 is on the minus strand). VCF-style: chr9-136513102-C-A. GRCh37 (hg19) VCF-style: chr9-139407554-C-A.
Other names: short protein forms A796S.
Identifiers: ClinVar variation 3880478 (VCV003880478.1).

ClinVar aggregate classification (germline): Uncertain significance (1 of 4 stars; one submission).

Conditions:
Familial thoracic aortic aneurysm and aortic dissection (TAAD). Also called: Thoracic aortic aneurysms and dissections. Identifiers: Orphanet 91387, MedGen C4707243, MONDO:0019625.

Submission:

Ambry Genetics
Classification: Uncertain significance for Familial thoracic aortic aneurysm and aortic dissection. Last evaluated: 2025-01-06. Review status: criteria provided, single submitter. Criteria: Ambry Variant Classification Scheme 2023. Collection method: clinical testing. Allele origin: germline.
Comment: The p.A796S variant (also known as c.2386G>T), located in coding exon 15 of the NOTCH1 gene, results from a G to T substitution at nucleotide position 2386. The alanine at codon 796 is replaced by serine, an amino acid with similar properties. This amino acid position is conserved. In addition, the in silico prediction for this alteration is inconclusive. Based on the available evidence, the clinical significance of this variant remains unclear.